The following is an entry in ClinVar:

NM_000089.4(COL1A2):c.82-6T>C

Gene: COL1A2 (collagen type I alpha 2 chain; plus strand). Cytogenetic location: 7q21.3.
Variant type: single nucleotide variant.
Coding change: c.82-6T>C on transcript NM_000089.4 (MANE Select); 6 bases into the intron before coding-DNA position 82, T replaced by C.
Molecular consequence: intron variant.
Genome position (GRCh38, 1-based): chr7:94,398,376, T>C. VCF-style: chr7-94398376-T-C. GRCh37 (hg19) VCF-style: chr7-94027688-T-C.
Identifiers: ClinVar variation 2949411 (VCV002949411.3), dbSNP rs2484690954, ClinGen allele CA368218964.

ClinVar aggregate classification (germline): Uncertain significance (1 of 4 stars; one submission).

Conditions:
Osteogenesis imperfecta type I (OI1). Also called: Lobstein disease; OI, TYPE I; OSTEOGENESIS IMPERFECTA TARDA; OSTEOGENESIS IMPERFECTA WITH BLUE SCLERAE; Osteogenesis imperfecta type 1; Lobstein's Disease. Identifiers: Orphanet 216796, Orphanet 666, MedGen C0023931, MONDO:0008146, OMIM 166200. Disease mechanism: loss of function.
Ehlers-Danlos syndrome, classic type, 1 (EDSCL1). Also called: EDS I; EHLERS-DANLOS SYNDROME, GRAVIS TYPE; EHLERS-DANLOS SYNDROME, SEVERE CLASSIC TYPE; Ehlers-Danlos syndrome, type 1; Ehlers-Danlos Syndrome, Classic Type, COL5A1-Related. Identifiers: MedGen C0268335, MONDO:0019567, OMIM 130000.

Allele frequency attached by ClinVar (database versions not stated): gnomAD exomes below 0.00001.
gnomAD v4.1: 1 of 918,110 alleles (0.00011%); highest among the groups gnomAD compares: Non-Finnish European, 0.00016%; no homozygotes.

Submission:

Labcorp Genetics (formerly Invitae), Labcorp
Classification: Uncertain significance for Osteogenesis imperfecta type I; Ehlers-Danlos syndrome, classic type, 1. Last evaluated: 2023-09-27. Review status: criteria provided, single submitter. Criteria: Invitae Variant Classification Sherloc (09022015). Collection method: clinical testing. Allele origin: germline.
Comment: In summary, the available evidence is currently insufficient to determine the role of this variant in disease. Therefore, it has been classified as a Variant of Uncertain Significance. Algorithms developed to predict the effect of sequence changes on RNA splicing suggest that this variant may disrupt the consensus splice site. This variant has not been reported in the literature in individuals affected with COL1A2-related conditions. This variant is not present in population databases (gnomAD no frequency). This sequence change falls in intron 2 of the COL1A2 gene. It does not directly change the encoded amino acid sequence of the COL1A2 protein.